The following is an entry in ClinVar:

ClinVar aggregate classification (germline): Pathogenic/Likely pathogenic. Review status: criteria provided, multiple submitters, no conflicts (2 of 4 stars). 3 submissions from 3 submitters: Pathogenic (1); Likely pathogenic (2). Last evaluated 2024-01-08.

Conditions:
CEP78-related disorder. Also called: CEP78-related condition.
Cone-rod dystrophy and hearing loss 1 (CRDHL1). Identifiers: MedGen C5193018, MONDO:0020778, OMIM 617236.

Allele frequency attached by ClinVar (database versions not stated): gnomAD exomes below 0.00001; gnomAD 0.00003; TOPMed 0.00003; ESP Exome Variant Server 0.00018.

Submissions (3):

Laboratory for Molecular Medicine, Mass General Brigham Personalized Medicine
Classification: Likely pathogenic for Cone-rod dystrophy and hearing loss 1. Last evaluated: 2024-01-08. Review status: criteria provided, single submitter. Criteria: ACMG Guidelines, 2015. Collection method: clinical testing. Allele origin: germline. Inheritance: Autosomal recessive inheritance.
Comment: The p.Ser486MetfsX10 variant in CEP78 has not been previously reported in individuals with cone-rod dystrophy but has been reported by other clinical laboratories in ClinVar (Variation ID 1399492). It has also been identified in 0.0096% (4/41454) of African chromosomes by gnomAD (v.3.1.2). This variant is predicted to cause a frameshift, which alters the protein’s amino acid sequence beginning at position 486 and leads to a premature termination codon 10 amino acids downstream. This alteration is then predicted to lead to a truncated or absent protein. Biallelic loss of function of the CEP78 gene is an established disease mechanism in autosomal recessive cone-rod dystrophy. In summary, although additional studies are required to fully establish its clinical significance, this variant meets criteria to be classified as likely pathogenic for autosomal recessive cone-rod dystrophy. ACMG/AMP Criteria applied: PVS1, PM2_Supporting.

Labcorp Genetics (formerly Invitae), Labcorp
Classification: Pathogenic. Last evaluated: 2022-07-01. Review status: criteria provided, single submitter. Criteria: Invitae Variant Classification Sherloc (09022015). Collection method: clinical testing. Allele origin: germline.
Comment: ClinVar contains an entry for this variant (Variation ID: 1399492). This variant has not been reported in the literature in individuals affected with CEP78-related conditions. This variant is present in population databases (rs769767723, gnomAD 0.006%). This sequence change creates a premature translational stop signal (p.Ser486Metfs*10) in the CEP78 gene. It is expected to result in an absent or disrupted protein product. Loss-of-function variants in CEP78 are known to be pathogenic (PMID: 27588451, 27588452, 27627988). For these reasons, this variant has been classified as Pathogenic.

Blueprint Genetics
Classification: Likely pathogenic for CEP78-related disorders. Last evaluated: 2021-04-20. Review status: criteria provided, single submitter. Criteria: ACMG Guidelines, 2015. Collection method: clinical testing. Allele origin: germline. Affected: yes. Observed: 1 variant allele.

Literature cited by the submitters: PubMed 27588451 (cited by Labcorp Genetics (formerly Invitae), Labcorp); PubMed 27588452 (cited by Labcorp Genetics (formerly Invitae), Labcorp); PubMed 27627988 (cited by Labcorp Genetics (formerly Invitae), Labcorp).

NM_001330691.3(CEP78):c.1454del (p.Ser485fs)

Gene: CEP78 (centrosomal protein 78; plus strand). Cytogenetic location: 9q21.2.
Variant type: Deletion.
Coding change: c.1454del on transcript NM_001330691.3 (MANE Select); coding-DNA position 1454, one base deleted (G; older notation c.1454delG).
Protein change: p.Ser485fs; shifts the reading frame from serine 485.
Molecular consequence: frameshift variant.
Genome position (GRCh38, 1-based): chr9:78,262,980, G deleted. VCF-style (leftmost placement, unchanged base first): chr9-78262979-AG-A. GRCh37 (hg19) VCF-style: chr9-80877895-AG-A.
Other names: c.1457del, p.Ser486fs (NM_001098802.3, NM_001349839.2, NM_001349840.2 and 1 more transcripts); c.1454del, p.Ser485fs (NM_001330693.3, NM_001330694.2, NM_001349838.2); short protein forms S485fs, S486fs.
Identifiers: ClinVar variation 1399492 (VCV001399492.8), dbSNP rs769767723, ClinGen allele CA5095258.